The following is an entry in ClinVar:

NM_015122.3(FCHO1):c.51G>T (p.Glu17Asp)

Gene: FCHO1 (FCH and mu domain containing endocytic adaptor 1; plus strand). Cytogenetic location: 19p13.11.
Variant type: single nucleotide variant.
Coding change: c.51G>T on transcript NM_015122.3 (MANE Select); coding-DNA position 51, G replaced by T.
Protein change: p.Glu17Asp; replaces glutamic acid 17 with aspartic acid.
Molecular consequence: missense variant. On other transcripts: 5 prime UTR variant (6), non-coding transcript variant (36).
Genome position (GRCh38, 1-based): chr19:17,762,785, G>T. VCF-style: chr19-17762785-G-T. GRCh37 (hg19) VCF-style: chr19-17873594-G-T.
Other names: c.51G>T, p.Glu17Asp (NM_001161357.2, NM_001161358.2, NM_001384370.1 and 30 more transcripts); c.-100G>T (NM_001161359.2, NM_001384384.1, NM_001384385.1 and 3 more transcripts); short protein forms E17D.
Identifiers: ClinVar variation 1481435 (VCV001481435.8), dbSNP rs1423044800, ClinGen allele CA404747739.
Genomic context (GRCh38, chr19:17,762,785, plus strand): 5'-TCCATCCTTTCTCAATCTCTATTCCCATCCCCTGCAGGGCGAGAAAAATCATGGCTTTGA[G>T]GTCCTGTACCACAGCGTGAAGCAGGGGCCCATCTCCACCAAGGAGCTGGCGGACTTCATC-3'
Protein context (NP_055937.1, residues 7-27): HFWGEKNHGF[Glu17Asp]VLYHSVKQGP

ClinVar aggregate classification (germline): Uncertain significance (1 of 4 stars; one submission).

Allele frequency attached by ClinVar (database versions not stated): gnomAD exomes below 0.00001.
gnomAD v4.1: 2 of 1,613,930 alleles (0.00012%); highest among the groups gnomAD compares: African/African-American, 0.0013%; no homozygotes.

Submission:

Labcorp Genetics (formerly Invitae), Labcorp
Classification: Uncertain significance. Last evaluated: 2021-03-07. Review status: criteria provided, single submitter. Criteria: Invitae Variant Classification Sherloc (09022015). Collection method: clinical testing. Allele origin: germline.
Comment: In summary, the available evidence is currently insufficient to determine the role of this variant in disease. Therefore, it has been classified as a Variant of Uncertain Significance. Algorithms developed to predict the effect of missense changes on protein structure and function output the following: SIFT: "Tolerated"; PolyPhen-2: "Benign"; Align-GVGD: "Class C0". The aspartic acid amino acid residue is found in multiple mammalian species, suggesting that this missense change does not adversely affect protein function. These predictions have not been confirmed by published functional studies and their clinical significance is uncertain. This variant has not been reported in the literature in individuals with FCHO1-related conditions. This variant is not present in population databases (ExAC no frequency). This sequence change replaces glutamic acid with aspartic acid at codon 17 of the FCHO1 protein (p.Glu17Asp). The glutamic acid residue is moderately conserved and there is a small physicochemical difference between glutamic acid and aspartic acid.